The following is an entry in ClinVar:

ClinVar aggregate classification (germline): Pathogenic (1 of 4 stars; one submission).

Submission:

Labcorp Genetics (formerly Invitae), Labcorp
Classification: Pathogenic. Last evaluated: 2022-07-20. Review status: criteria provided, single submitter. Criteria: Invitae Variant Classification Sherloc (09022015). Collection method: clinical testing. Allele origin: germline.
Comment: Algorithms developed to predict the effect of sequence changes on RNA splicing suggest that this variant may disrupt the consensus splice site. For these reasons, this variant has been classified as Pathogenic. This variant has not been reported in the literature in individuals affected with C6-related conditions. This sequence change creates a premature translational stop signal (p.Cys93Leufs*2) in the C6 gene. It is expected to result in an absent or disrupted protein product. Loss-of-function variants in C6 are known to be pathogenic (PMID: 17257682). This variant is not present in population databases (gnomAD no frequency).

Literature cited by the submitters: PubMed 17257682.

NM_000065.5(C6):c.277dup (p.Cys93fs)

Gene: C6 (complement C6; minus strand). Cytogenetic location: 5p13.1.
Variant type: Duplication.
Coding change: c.277dup on transcript NM_000065.5 (MANE Select); coding-DNA position 277, one base duplicated (T; older notation c.277dupT).
Protein change: p.Cys93fs; shifts the reading frame from cysteine 93.
Molecular consequence: frameshift variant.
Genome position (GRCh38, 1-based): chr5:41,201,581, A duplicated on the plus strand (T on the coding strand, the reverse complement: C6 is on the minus strand). VCF-style (leftmost placement, unchanged base first): chr5-41201580-C-CA. GRCh37 (hg19) VCF-style: chr5-41201682-C-CA.
Other names: c.277dup, p.Cys93fs (NM_001115131.4); short protein forms C93fs.
Identifiers: ClinVar variation 2018397 (VCV002018397.4), dbSNP rs2479143369, ClinGen allele CA2580073289.
Genomic context (GRCh38, chr5:41,201,580, plus strand): 5'-GTGATTCATATTTCCTGGAAATGCCCATGGTTGCCTACCTGTTTTTCAATACAAGGGTCA[C>CA]AGTCTGACCATGGTCCAAAATCTCCCAGGAGGCAGTTGATGGGGCATCTTTGCCAGTTAC-3'